The following is an entry in ClinVar:

NM_007294.4(BRCA1):c.1448T>C (p.Ile483Thr)

Gene: BRCA1 (BRCA1 DNA repair associated; minus strand). Cytogenetic location: 17q21.31.
Variant type: single nucleotide variant.
Coding change: c.1448T>C on transcript NM_007294.4 (MANE Select); coding-DNA position 1448, T replaced by C.
Protein change: p.Ile483Thr; replaces isoleucine 483 with threonine.
Molecular consequence: missense variant. On other transcripts: intron variant (137).
Genome position (GRCh38, 1-based): chr17:43,094,083, A>G on the plus strand (T>C on the coding strand, the complement: BRCA1 is on the minus strand). VCF-style: chr17-43094083-A-G. GRCh37 (hg19) VCF-style: chr17-41246100-A-G.
Other names: 1567T>C; c.1235T>C, p.Ile412Thr (NM_001407571.1, NM_001407853.1, NM_001407894.1 and 9 more transcripts); c.1448T>C, p.Ile483Thr (NM_001407581.1, NM_001407582.1, NM_001407583.1 and 30 more transcripts); c.1445T>C, p.Ile482Thr (NM_001407587.1, NM_001407590.1, NM_001407591.1 and 22 more transcripts); c.1439T>C, p.Ile480Thr (NM_001407646.1, NM_001407647.1); c.1325T>C, p.Ile442Thr (NM_001407648.1, NM_001407664.1, NM_001407665.1 and 19 more transcripts); c.1322T>C, p.Ile441Thr (NM_001407649.1, NM_001407670.1, NM_001407671.1 and 11 more transcripts); c.1370T>C, p.Ile457Thr (NM_001407653.1, NM_001407654.1, NM_001407655.1 and 4 more transcripts); and 41 more; short protein forms I483T, I436T, I187T, I372T, I415T, I416T, I442T, I482T.
Identifiers: ClinVar variation 54255 (VCV000054255.24), dbSNP rs80357489, ClinGen allele CA000970.

ClinVar aggregate classification (germline): Conflicting classifications of pathogenicity. Review status: criteria provided, conflicting classifications (1 of 4 stars). 8 submissions from 8 submitters: Uncertain significance (5); Likely benign (1). 2 of the submissions do not count toward it. Last evaluated 2025-07-02.

Conditions:
Hereditary cancer-predisposing syndrome. Also called: Tumor predisposition; Neoplastic Syndromes, Hereditary; Hereditary Cancer Syndrome; Hereditary neoplastic syndrome. Identifiers: Orphanet 140162, MedGen C0027672, MeSH D009386, MONDO:0015356.
Hereditary breast ovarian cancer syndrome. Also called: Hereditary breast and ovarian cancer syndrome (HBOC); Hereditary breast and ovarian cancer syndrome; Hereditary breast and ovarian cancer; Hereditary breast and/or ovarian cancer syndrome; Breast and ovarian cancer; BRCA1- and BRCA2-Associated Hereditary Breast and Ovarian Cancer. Identifiers: Orphanet 145, MedGen C0677776, MeSH D061325, MONDO:0003582. Disease mechanism: loss of function.
Breast-ovarian cancer, familial, susceptibility to, 1 (BROVCA1). Also called: OVARIAN CANCER, SUSCEPTIBILITY TO; BRCA1 Hereditary Breast and Ovarian Cancer. Identifiers: Orphanet 145, MedGen C2676676, MONDO:0011450, OMIM 604370. Disease mechanism: loss of function.

Allele frequency attached by ClinVar (database versions not stated): gnomAD 0.00001; gnomAD exomes 0.00001; TOPMed 0.00001.
gnomAD v4.1: 15 of 1,613,958 alleles (0.00093%); highest among the groups gnomAD compares: Non-Finnish European, 0.0011%; no homozygotes.

Submissions (8):

Labcorp Genetics (formerly Invitae), Labcorp
Classification: Uncertain significance for Hereditary breast ovarian cancer syndrome. Last evaluated: 2025-07-02. Review status: criteria provided, single submitter. Criteria: Invitae Variant Classification Sherloc (09022015). Collection method: clinical testing. Allele origin: germline.
Comment: This sequence change replaces isoleucine, which is neutral and non-polar, with threonine, which is neutral and polar, at codon 483 of the BRCA1 protein (p.Ile483Thr). This variant is present in population databases (rs80357489, gnomAD 0.007%). This variant has not been reported in the literature in individuals affected with BRCA1-related conditions. ClinVar contains an entry for this variant (Variation ID: 54255). Invitae Evidence Modeling of protein sequence and biophysical properties (such as structural, functional, and spatial information, amino acid conservation, physicochemical variation, residue mobility, and thermodynamic stability) indicates that this missense variant is not expected to disrupt BRCA1 protein function with a negative predictive value of 80%. In summary, the available evidence is currently insufficient to determine the role of this variant in disease. Therefore, it has been classified as a Variant of Uncertain Significance.

Ambry Genetics
Classification: Uncertain significance for Hereditary cancer-predisposing syndrome. Last evaluated: 2024-12-10. Review status: criteria provided, single submitter. Criteria: Ambry Variant Classification Scheme 2023. Collection method: clinical testing. Allele origin: germline.
Comment: The p.I483T variant (also known as c.1448T>C), located in coding exon 9 of the BRCA1 gene, results from a T to C substitution at nucleotide position 1448. The isoleucine at codon 483 is replaced by threonine, an amino acid with similar properties. This alteration was identified amongst a cohort of 3984 Chinese women with a breast cancer diagnosis undergoing BRCA1/2 genetic testing (Yao L et al. J Hum Genet, 2022 Nov;67:639-642). This amino acid position is not well conserved in available vertebrate species. In addition, the in silico prediction for this alteration is inconclusive. Based on the available evidence, the clinical significance of this variant remains unclear.

All of Us Research Program, National Institutes of Health
Classification: Uncertain significance for Breast-ovarian cancer, familial, susceptibility to, 1. Last evaluated: 2023-11-20. Review status: criteria provided, single submitter. Criteria: ACMG Guidelines, 2015. Collection method: clinical testing. Allele origin: germline. Inheritance: Autosomal dominant inheritance. Observed: 1 variant allele, 1 heterozygote.
Comment: This missense variant replaces isoleucine with threonine at codon 483 of the BRCA1 protein. Computational prediction is inconclusive regarding the impact of this variant on protein structure and function (internally defined REVEL score threshold 0.5 < inconclusive < 0.7, PMID: 27666373). To our knowledge, functional studies have not been reported for this variant. This variant has been report in a multifactorial analysis with likelihood ratios for pathogenicity based on co-occurrence with a pathogenic variant and family history of 1.0673 and 1.4557, respectively (PMID: 31131967). This variant has been identified in 1/31406 chromosomes in the general population by the Genome Aggregation Database (gnomAD). The available evidence is insufficient to determine the role of this variant in disease conclusively. Therefore, this variant is classified as a Variant of Uncertain Significance.

This study involves interpretation of variants in research participants for the purpose of population health screening. Participant phenotype was not available at the time of variant classification. Additional details can be found in publication PMID: 35346344, PMCID: PMC8962531

Color Diagnostics, LLC DBA Color Health
Classification: Uncertain significance for Hereditary cancer-predisposing syndrome. Last evaluated: 2023-09-04. Review status: criteria provided, single submitter. Criteria: ACMG Guidelines, 2015. Collection method: clinical testing. Allele origin: germline.
Comment: This missense variant replaces isoleucine with threonine at codon 483 of the BRCA1 protein. Computational prediction is inconclusive regarding the impact of this variant on protein structure and function (internally defined REVEL score threshold 0.5 < inconclusive < 0.7, PMID: 27666373). To our knowledge, functional studies have not been reported for this variant. This variant has been report in a multifactorial analysis with likelihood ratios for pathogenicity based on co-occurrence with a pathogenic variant and family history of 1.0673 and 1.4557, respectively (PMID: 31131967). This variant has been identified in 1/31406 chromosomes in the general population by the Genome Aggregation Database (gnomAD). The available evidence is insufficient to determine the role of this variant in disease conclusively. Therefore, this variant is classified as a Variant of Uncertain Significance.

University of Washington Department of Laboratory Medicine, University of Washington
Classification: Likely benign for Hereditary cancer-predisposing syndrome. Last evaluated: 2023-03-23. Review status: criteria provided, single submitter. Criteria: Dines et al. (Genet Med. 2020). Collection method: curation. Allele origin: germline.
Comment: Missense variant in a coldspot region where missense variants are very unlikely to be pathogenic (PMID:31911673).

BRCA1 coldspot (exon 11 using historical exon numbering). Reclassification based on statistical prior probability

GeneDx
Classification: Uncertain significance. Last evaluated: 2017-12-04. Review status: criteria provided, single submitter. Criteria: GeneDx Variant Classification (06012015). Collection method: clinical testing. Allele origin: germline. Affected: yes.
Comment: This variant is denoted BRCA1 c.1448T>C at the cDNA level, p.Ile483Thr (I483T) at the protein level, and results in the change of an Isoleucine to a Threonine (ATA>ACA). Using alternate nomenclature, this variant would be defined as BRCA1 1567T>C. This variant has not, to our knowledge, been published in the literature as pathogenic or benign. BRCA1 Ile483Thr was not observed at a significant allele frequency in large population cohorts (Lek 2016). Since Isoleucine and Threonine differ in polarity, charge, size or other properties, this is considered a non-conservative amino acid substitution. BRCA1 Ile483Thr is located within the DNA binding domain and a region known to interact with multiple other proteins (Narod 2004, Paul 2014). In-silico analyses, including protein predictors and evolutionary conservation, support a deleterious effect. Based on currently available evidence, it is unclear whether BRCA1 Ile483Thr is a pathogenic or benign variant. We consider it to be a variant of uncertain significance.

Sharing Clinical Reports Project (SCRP)
Classification: Uncertain significance for Breast-ovarian cancer, familial 1. Last evaluated: 2008-03-19. Review status: no assertion criteria provided. Collection method: clinical testing. Allele origin: germline. Not counted in ClinVar's aggregate classification.

Breast Cancer Information Core (BIC) (BRCA1)
Classification: Uncertain significance for Breast-ovarian cancer, familial 1. Last evaluated: 2003-12-23. Review status: no assertion criteria provided. Collection method: clinical testing. Allele origin: germline. Affected: yes. Observed: 2 variant alleles. Not counted in ClinVar's aggregate classification.

Literature cited by the submitters: PubMed 35864222 (cited by Ambry Genetics); PubMed 31131967 (cited by All of Us Research Program, National Institutes of Health and Color Diagnostics, LLC DBA Color Health).